The following is an entry in ClinVar:

NM_001129.5(AEBP1):c.1450A>T (p.Thr484Ser)

Gene: AEBP1 (AE binding protein 1; plus strand). Cytogenetic location: 7p13.
Variant type: single nucleotide variant.
Coding change: c.1450A>T on transcript NM_001129.5 (MANE Select); coding-DNA position 1450, A replaced by T.
Protein change: p.Thr484Ser; replaces threonine 484 with serine.
Molecular consequence: missense variant.
Genome position (GRCh38, 1-based): chr7:44,110,774, A>T. VCF-style: chr7-44110774-A-T. GRCh37 (hg19) VCF-style: chr7-44150373-A-T.
Other names: short protein forms T484S.
Identifiers: ClinVar variation 3381415 (VCV003381415.2).

ClinVar aggregate classification (germline): Uncertain significance. Review status: criteria provided, multiple submitters, no conflicts (2 of 4 stars). 2 submissions from 2 submitters: Uncertain significance (2). Last evaluated 2026-03-13.

gnomAD v4.1: 45 of 1,535,148 alleles (0.0029%); highest among the groups gnomAD compares: Middle Eastern, 0.018%; no homozygotes.

Submissions (2):

Women's Health and Genetics/Laboratory Corporation of America, LabCorp
Classification: Uncertain significance. Last evaluated: 2026-03-13. Review status: criteria provided, single submitter. Criteria: LabCorp Variant Classification Summary - May 2015. Collection method: clinical testing. Allele origin: germline.
Comment: Variant summary: AEBP1 c.1450A>T (p.Thr484Ser) results in a conservative amino acid change in the encoded protein sequence. Algorithms developed to predict the effect of missense changes on protein structure and function are either unavailable or do not agree on the potential impact of this missense change. The variant allele was found at a frequency of 1.6e-05 in 192758 control chromosomes. The available data on variant occurrences in the general population are insufficient to allow any conclusion about variant significance. To our knowledge, no occurrence of c.1450A>T in individuals affected with AEBP1-related conditions and no experimental evidence demonstrating its impact on protein function have been reported. ClinVar contains an entry for this variant (Variation ID: 3381415). Based on the evidence outlined above, the variant was classified as uncertain significance.

GeneDx
Classification: Uncertain significance. Last evaluated: 2024-05-20. Review status: criteria provided, single submitter. Criteria: GeneDx Variant Classification Process June 2021. Collection method: clinical testing. Allele origin: germline. Affected: yes.
Comment: Not observed at significant frequency in large population cohorts (gnomAD); In silico analysis supports that this missense variant does not alter protein structure/function; Has not been previously published as pathogenic or benign to our knowledge